The following is an entry in ClinVar:

NM_181552.4(CUX1):c.3806C>T (p.Pro1269Leu)

Gene: CUX1 (cut like homeobox 1; plus strand). Cytogenetic location: 7q22.1.
Variant type: single nucleotide variant.
Coding change: c.3806C>T on transcript NM_181552.4 (MANE Select); coding-DNA position 3806, C replaced by T.
Protein change: p.Pro1269Leu; replaces proline 1269 with leucine.
Molecular consequence: missense variant. On other transcripts: intron variant (5).
Genome position (GRCh38, 1-based): chr7:102,239,503, C>T. VCF-style: chr7-102239503-C-T. GRCh37 (hg19) VCF-style: chr7-101882783-C-T.
Other names: c.3839C>T, p.Pro1280Leu (NM_001202543.2); c.1256-33863C>T (NM_001913.5); c.1250-33863C>T (NM_181500.4); c.1118-33863C>T (NM_001202545.3); c.1208-33863C>T (NM_001202544.3); c.1139-33863C>T (NM_001202546.3); short protein forms P1269L, P1280L.
Identifiers: ClinVar variation 3381441 (VCV003381441.1).

ClinVar aggregate classification (germline): Uncertain significance (1 of 4 stars; one submission).

Submission:

GeneDx
Classification: Uncertain significance. Last evaluated: 2024-05-19. Review status: criteria provided, single submitter. Criteria: GeneDx Variant Classification Process June 2021. Collection method: clinical testing. Allele origin: germline. Affected: yes.
Comment: Not observed at significant frequency in large population cohorts (gnomAD); In silico analysis supports that this missense variant has a deleterious effect on protein structure/function; Has not been previously published as pathogenic or benign to our knowledge